The following is an entry in ClinVar:

NM_000391.4(TPP1):c.1039G>C (p.Ala347Pro)

Gene: TPP1 (tripeptidyl peptidase 1; minus strand). Cytogenetic location: 11p15.4.
Variant type: single nucleotide variant.
Coding change: c.1039G>C on transcript NM_000391.4 (MANE Select); coding-DNA position 1039, G replaced by C.
Protein change: p.Ala347Pro; replaces alanine 347 with proline.
Molecular consequence: missense variant.
Genome position (GRCh38, 1-based): chr11:6,616,351, C>G on the plus strand (G>C on the coding strand, the complement: TPP1 is on the minus strand). VCF-style: chr11-6616351-C-G. GRCh37 (hg19) VCF-style: chr11-6637582-C-G.
Other names: short protein forms A347P.
Identifiers: ClinVar variation 1943065 (VCV001943065.2), dbSNP rs1855584294, ClinGen allele CA379474106.

ClinVar aggregate classification (germline): Uncertain significance (1 of 4 stars; one submission).

Allele frequency attached by ClinVar (database versions not stated): TOPMed below 0.00001.

Submission:

Labcorp Genetics (formerly Invitae), Labcorp
Classification: Uncertain significance. Last evaluated: 2022-05-11. Review status: criteria provided, single submitter. Criteria: Invitae Variant Classification Sherloc (09022015). Collection method: clinical testing. Allele origin: germline.
Comment: This sequence change replaces alanine, which is neutral and non-polar, with proline, which is neutral and non-polar, at codon 347 of the TPP1 protein (p.Ala347Pro). This variant is not present in population databases (gnomAD no frequency). This variant has not been reported in the literature in individuals affected with TPP1-related conditions. Advanced modeling of protein sequence and biophysical properties (such as structural, functional, and spatial information, amino acid conservation, physicochemical variation, residue mobility, and thermodynamic stability) performed at Invitae indicates that this missense variant is expected to disrupt TPP1 protein function. In summary, the available evidence is currently insufficient to determine the role of this variant in disease. Therefore, it has been classified as a Variant of Uncertain Significance.